The following is an entry in ClinVar:

ClinVar aggregate classification (germline): Uncertain significance (1 of 4 stars; one submission).

Conditions:
Neonatal-onset encephalopathy with rigidity and seizures. Also called: Lethal neonatal spasticity-epileptic encephalopathy syndrome. Identifiers: Orphanet 435845, MedGen C3281029, MONDO:0013784, OMIM 614498.

gnomAD v4.1: 1 of 1,545,856 alleles (0.000065%); highest among the groups gnomAD compares: Non-Finnish European, 0.000087%; no homozygotes.

Submission:

Labcorp Genetics (formerly Invitae), Labcorp
Classification: Uncertain significance for Neonatal-onset encephalopathy with rigidity and seizures. Last evaluated: 2021-04-23. Review status: criteria provided, single submitter. Criteria: Invitae Variant Classification Sherloc (09022015). Collection method: clinical testing. Allele origin: germline.
Comment: Algorithms developed to predict the effect of missense changes on protein structure and function are either unavailable or do not agree on the potential impact of this missense change (SIFT: "Tolerated"; PolyPhen-2: "Possibly Damaging"; Align-GVGD: "Class C0"). In summary, the available evidence is currently insufficient to determine the role of this variant in disease. Therefore, it has been classified as a Variant of Uncertain Significance. This variant has not been reported in the literature in individuals with BRAT1-related conditions. This variant is not present in population databases (ExAC no frequency). This sequence change replaces glycine with alanine at codon 110 of the BRAT1 protein (p.Gly110Ala). The glycine residue is moderately conserved and there is a small physicochemical difference between glycine and alanine.

NM_152743.4(BRAT1):c.329G>C (p.Gly110Ala)

Gene: BRAT1 (BRCA1 associated ATM activator 1; minus strand). Cytogenetic location: 7p22.3.
Variant type: single nucleotide variant.
Coding change: c.329G>C on transcript NM_152743.4 (MANE Select); coding-DNA position 329, G replaced by C.
Protein change: p.Gly110Ala; replaces glycine 110 with alanine.
Molecular consequence: missense variant. On other transcripts: non-coding transcript variant (1), intron variant (1).
Genome position (GRCh38, 1-based): chr7:2,545,010, C>G on the plus strand (G>C on the coding strand, the complement: BRAT1 is on the minus strand). VCF-style: chr7-2545010-C-G. GRCh37 (hg19) VCF-style: chr7-2584644-C-G.
Other names: c.329G>C, p.Gly110Ala (NM_001350626.2); c.-95-1048G>C (NM_001350627.2); short protein forms G110A.
Identifiers: ClinVar variation 1515919 (VCV001515919.6), dbSNP rs777587491, ClinGen allele CA366632951.